The following is an entry in ClinVar:

ClinVar aggregate classification (germline): Uncertain significance (1 of 4 stars; one submission).

Submission:

Labcorp Genetics (formerly Invitae), Labcorp
Classification: Uncertain significance. Last evaluated: 2021-01-19. Review status: criteria provided, single submitter. Criteria: Invitae Variant Classification Sherloc (09022015). Collection method: clinical testing. Allele origin: germline.
Comment: This variant is not present in population databases (ExAC no frequency). This variant, c.3351_3431dup, results in the insertion of 27 amino acid(s) to the TUBGCP6 protein (p.Asn1139_Ser1165dup), but otherwise preserves the integrity of the reading frame. This variant has not been reported in the literature in individuals with TUBGCP6-related conditions. Algorithms developed to predict the effect of sequence changes on RNA splicing suggest that this variant may create or strengthen a splice site, but this prediction has not been confirmed by published transcriptional studies. In summary, the available evidence is currently insufficient to determine the role of this variant in disease. Therefore, it has been classified as a Variant of Uncertain Significance.

NM_020461.4(TUBGCP6):c.3351_3431dup (p.1112NASIRVGENVSDVAPTRPRWNTHGHVS[3])

Gene: TUBGCP6 (tubulin gamma complex component 6; minus strand). Cytogenetic location: 22q13.33.
Variant type: Duplication.
Coding change: c.3351_3431dup on transcript NM_020461.4 (MANE Select); coding-DNA positions 3351 to 3431, 81 bases duplicated.
Protein change: p.1112NASIRVGENVSDVAPTRPRWNTHGHVS[3].
Molecular consequence: inframe insertion.
Genome position (GRCh38, 1-based): chr22:50,220,928-50,221,008, 81 bases duplicated. GRCh37 (hg19): chr22:50,659,380-50,659,460.
Identifiers: ClinVar variation 1503870 (VCV001503870.8), dbSNP rs2064510442, ClinGen allele CA2573158256.